The following is an entry in ClinVar:

NM_001365536.1(SCN9A):c.306C>A (p.Ala102=)

Gene: SCN9A (sodium voltage-gated channel alpha subunit 9; minus strand). Cytogenetic location: 2q24.3.
Variant type: single nucleotide variant.
Coding change: c.306C>A on transcript NM_001365536.1 (MANE Select); coding-DNA position 306, C replaced by A.
Protein change: p.Ala102=; no amino-acid change (alanine 102 retained).
Molecular consequence: synonymous variant.
Genome position (GRCh38, 1-based): chr2:166,307,027, G>T on the plus strand (C>A on the coding strand, the complement: SCN9A is on the minus strand). VCF-style: chr2-166307027-G-T. GRCh37 (hg19) VCF-style: chr2-167163537-G-T.
Other names: c.306C>A, p.Ala102= (NM_002977.4).
Identifiers: ClinVar variation 3911995 (VCV003911995.2).

ClinVar aggregate classification (germline): Likely benign (1 of 4 stars; one submission).

Submission:

Women's Health and Genetics/Laboratory Corporation of America, LabCorp
Classification: Likely benign. Last evaluated: 2025-07-07. Review status: criteria provided, single submitter. Criteria: LabCorp Variant Classification Summary - May 2015. Collection method: clinical testing. Allele origin: germline.
Comment: Variant summary: SCN9A c.306C>A alters a conserved nucleotide resulting in a synonymous change. Consensus agreement among computation tools predict no significant impact on normal splicing. However, these predictions have yet to be confirmed by functional studies. The frequency data for this variant in gnomAD is considered unreliable, as metrics indicate poor data quality at this position. To our knowledge, no occurrence of c.306C>A in individuals affected with Channelopathy-Associated Congenital Insensitivity To Pain, Autosomal Recessive and no experimental evidence demonstrating its impact on protein function have been reported. No submitters have cited clinical-significance assessments for this variant to ClinVar. Based on the evidence outlined above, the variant was classified as likely benign.